The following is an entry in ClinVar:

NM_001378454.1(ALMS1):c.1237+2T>G

Gene: ALMS1 (ALMS1 centrosome and basal body associated protein; plus strand). Cytogenetic location: 2p13.1.
Variant type: single nucleotide variant.
Coding change: c.1237+2T>G on transcript NM_001378454.1 (MANE Select); the canonical splice donor site of the intron after coding-DNA position 1237, T replaced by G.
Molecular consequence: splice donor variant.
Genome position (GRCh38, 1-based): chr2:73,424,904, T>G. VCF-style: chr2-73424904-T-G. GRCh37 (hg19) VCF-style: chr2-73652032-T-G.
Other names: c.1237+2T>G (NM_015120.4).
Identifiers: ClinVar variation 1478361 (VCV001478361.6), dbSNP rs916056435, ClinGen allele CA347261801.

ClinVar aggregate classification (germline): Likely pathogenic (1 of 4 stars; one submission).

Conditions:
Alstrom syndrome (ALMS). Identifiers: Orphanet 64, MedGen C0268425, MONDO:0008763, OMIM 203800.

Submission:

Labcorp Genetics (formerly Invitae), Labcorp
Classification: Likely pathogenic for Alstrom syndrome. Last evaluated: 2021-10-02. Review status: criteria provided, single submitter. Criteria: Invitae Variant Classification Sherloc (09022015). Collection method: clinical testing. Allele origin: germline.
Comment: Experimental studies and prediction algorithms are not available or were not evaluated, and the effect of this variant on mRNA splicing is currently unknown. This variant has not been reported in the literature in individuals affected with ALMS1-related conditions. This variant is not present in population databases (ExAC no frequency). This sequence change affects a donor splice site in intron 5 of the ALMS1 gene. It is expected to disrupt RNA splicing. Variants that disrupt the donor or acceptor splice site typically lead to a loss of protein function (PMID: 16199547), and loss-of-function variants in ALMS1 are known to be pathogenic (PMID: 17594715). In summary, the currently available evidence indicates that the variant is pathogenic, but additional data are needed to prove that conclusively. Therefore, this variant has been classified as Likely Pathogenic.

Literature cited by the submitters: PubMed 16199547; PubMed 17594715.